The following is an entry in ClinVar:

NM_033026.6(PCLO):c.3095A>G (p.Asp1032Gly)

Gene: PCLO (piccolo presynaptic cytomatrix protein; minus strand). Cytogenetic location: 7q21.11.
Variant type: single nucleotide variant.
Coding change: c.3095A>G on transcript NM_033026.6 (MANE Select); coding-DNA position 3095, A replaced by G.
Protein change: p.Asp1032Gly; replaces aspartic acid 1032 with glycine.
Molecular consequence: missense variant.
Genome position (GRCh38, 1-based): chr7:83,134,455, T>C on the plus strand (A>G on the coding strand, the complement: PCLO is on the minus strand). VCF-style: chr7-83134455-T-C. GRCh37 (hg19) VCF-style: chr7-82763771-T-C.
Other names: c.3095A>G, p.Asp1032Gly (NM_014510.3); c.3095A>G (NM_033026.5); short protein forms D1032G.
Identifiers: ClinVar variation 1485764 (VCV001485764.4), dbSNP rs370972039, ClinGen allele CA4321148.

ClinVar aggregate classification (germline): Uncertain significance. Review status: criteria provided, multiple submitters, no conflicts (2 of 4 stars). 2 submissions from 2 submitters: Uncertain significance (2). Last evaluated 2024-10-30.

Allele frequency attached by ClinVar (database versions not stated): gnomAD 0.00001; gnomAD exomes 0.00006 and 0.00002; TOPMed 0.00002; ExAC 0.00003; ESP Exome Variant Server 0.00008.
gnomAD v4.1: 91 of 1,613,776 alleles (0.0056%); highest among the groups gnomAD compares: Non-Finnish European, 0.0076%; no homozygotes.

Submissions (2):

GeneDx
Classification: Uncertain significance. Last evaluated: 2024-10-30. Review status: criteria provided, single submitter. Criteria: GeneDx Variant Classification Process June 2021. Collection method: clinical testing. Allele origin: germline. Affected: yes.
Comment: In silico analysis indicates that this missense variant does not alter protein structure/function; Has not been previously published as pathogenic or benign to our knowledge; Variants in candidate genes are classified as variants of uncertain significance in accordance with ACMG guidelines (PMID: 25741868)

Labcorp Genetics (formerly Invitae), Labcorp
Classification: Uncertain significance. Last evaluated: 2022-05-31. Review status: criteria provided, single submitter. Criteria: Invitae Variant Classification Sherloc (09022015). Collection method: clinical testing. Allele origin: germline.
Comment: This sequence change replaces aspartic acid, which is acidic and polar, with glycine, which is neutral and non-polar, at codon 1032 of the PCLO protein (p.Asp1032Gly). This variant is present in population databases (rs370972039, gnomAD 0.007%). This variant has not been reported in the literature in individuals affected with PCLO-related conditions. ClinVar contains an entry for this variant (Variation ID: 1485764). Algorithms developed to predict the effect of missense changes on protein structure and function are either unavailable or do not agree on the potential impact of this missense change (SIFT: "Tolerated"; PolyPhen-2: "Not Available"; Align-GVGD: "Class C0"). Algorithms developed to predict the effect of sequence changes on RNA splicing suggest that this variant may create or strengthen a splice site. In summary, the available evidence is currently insufficient to determine the role of this variant in disease. Therefore, it has been classified as a Variant of Uncertain Significance.